The following is an entry in ClinVar:

ClinVar aggregate classification (germline): Conflicting classifications of pathogenicity. Review status: criteria provided, conflicting classifications (1 of 4 stars). 3 submissions from 3 submitters: Likely pathogenic (2); Uncertain significance (1). Last evaluated 2025-09-17.

Conditions:
Charcot-Marie-Tooth disease type 4. Also called: Charcot-Marie-Tooth disease, type IV; Charcot-Marie-Tooth, Type 4. Identifiers: Orphanet 64749, MedGen C4082197, MONDO:0018995.
Charcot-Marie-Tooth disease type 4B2. Also called: Charcot-Marie-Tooth Neuropathy Type 4B2; CHARCOT-MARIE-TOOTH DISEASE, WITH FOCALLY FOLDED MYELIN SHEATHS, AUTOSOMAL RECESSIVE, TYPE 4B2; CMT 4B2; CHARCOT-MARIE-TOOTH DISEASE, DEMYELINATING, TYPE 4B2. Identifiers: Orphanet 99956, MedGen C1858278, MONDO:0011475, OMIM 604563.
SBF2-related disorder. Also called: SBF2-related condition.

Allele frequency attached by ClinVar (database versions not stated): gnomAD 0.00001; TOPMed 0.00001; ExAC 0.00002; gnomAD exomes 0.00002; ESP Exome Variant Server 0.00008.
gnomAD v4.1: 26 of 1,603,800 alleles (0.0016%); highest among the groups gnomAD compares: Non-Finnish European, 0.0022%; no homozygotes.

Submissions (3):

Labcorp Genetics (formerly Invitae), Labcorp
Classification: Likely pathogenic for Charcot-Marie-Tooth disease type 4. Last evaluated: 2025-09-17. Review status: criteria provided, single submitter. Criteria: Invitae Variant Classification Sherloc (09022015). Collection method: clinical testing. Allele origin: germline.
Comment: This sequence change affects an acceptor splice site in intron 27 of the SBF2 gene. It is expected to disrupt RNA splicing. Variants that disrupt the donor or acceptor splice site typically lead to a loss of protein function (PMID: 16199547), and loss-of-function variants in SBF2 are known to be pathogenic (PMID: 12687498, 25873783). This variant is present in population databases (rs145183196, gnomAD 0.002%). This variant has not been reported in the literature in individuals affected with SBF2-related conditions. ClinVar contains an entry for this variant (Variation ID: 856411). Algorithms developed to predict the effect of sequence changes on RNA splicing suggest that this variant may disrupt the consensus splice site. In summary, the currently available evidence indicates that the variant is pathogenic, but additional data are needed to prove that conclusively. Therefore, this variant has been classified as Likely Pathogenic.

PreventionGenetics, part of Exact Sciences
Classification: Uncertain significance for SBF2-related condition. Last evaluated: 2025-08-07. Review status: criteria provided, single submitter. Criteria: ACMG Guidelines, 2015. Collection method: clinical testing. Allele origin: germline.
Comment: The SBF2 c.3653-1G>A variant is predicted to disrupt the AG splice acceptor site and interfere with normal splicing. This variant is predicted to abolish the canonical splice site; however, a downstream cryptic acceptor site may act as an alternative splice site and would result in an in-frame deletion of six amino acids (SpliceAI, Jaganathan K, et al. 2019. PubMed ID: 30661751). To our knowledge, this variant has not been reported in the literature. This variant is reported in 0.0054% of alleles in individuals of European (non-Finnish) descent in gnomAD. Although we suspect that this variant may be pathogenic, at this time, the clinical significance of this variant is uncertain due to the absence of conclusive functional and genetic evidence.

Women's Health and Genetics/Laboratory Corporation of America, LabCorp
Classification: Likely pathogenic for Charcot-Marie-Tooth disease type 4B2. Last evaluated: 2023-11-09. Review status: criteria provided, single submitter. Criteria: LabCorp Variant Classification Summary - May 2015. Collection method: clinical testing. Allele origin: germline.
Comment: Variant summary: SBF2 c.3653-1G>A is located in a canonical splice-site and is predicted to affect mRNA splicing resulting in a significantly altered protein due to either exon skipping, shortening, or inclusion of intronic material. Several computational tools predict a significant impact on normal splicing: Four predict the variant abolishes a canonical 3' acceptor site. However, these predictions have yet to be confirmed by functional studies. The variant allele was found at a frequency of 2.4e-05 in 251314 control chromosomes (gnomAD). To our knowledge, no occurrence of c.3653-1G>A in individuals affected with Charcot-Marie Disease Type 4B2 and no experimental evidence demonstrating its impact on protein function have been reported. One submitter has cited clinical-significance assessments for this variant to ClinVar after 2014 and has classified the variant as likely pathogenic. Based on the evidence outlined above, the variant was classified as likely pathogenic.

Literature cited by the submitters: PubMed 16199547 (cited by Labcorp Genetics (formerly Invitae), Labcorp); PubMed 12687498 (cited by Labcorp Genetics (formerly Invitae), Labcorp); PubMed 25873783 (cited by Labcorp Genetics (formerly Invitae), Labcorp).

NM_030962.4(SBF2):c.3653-1G>A

Gene: SBF2 (SET binding factor 2; minus strand). Cytogenetic location: 11p15.4.
Variant type: single nucleotide variant.
Coding change: c.3653-1G>A on transcript NM_030962.4 (MANE Select); the canonical splice acceptor site of the intron before coding-DNA position 3653, G replaced by A.
Molecular consequence: splice acceptor variant.
Genome position (GRCh38, 1-based): chr11:9,829,497, C>T on the plus strand (G>A on the coding strand, the complement: SBF2 is on the minus strand). VCF-style: chr11-9829497-C-T. GRCh37 (hg19) VCF-style: chr11-9851044-C-T.
Other names: c.3524-1G>A (NM_001386342.1); c.3653-1G>A (NM_001386339.1).
Identifiers: ClinVar variation 856411 (VCV000856411.10), dbSNP rs145183196, ClinGen allele CA5881196.